The following is an entry in ClinVar:

ClinVar aggregate classification (germline): Conflicting classifications of pathogenicity. Review status: criteria provided, conflicting classifications (1 of 4 stars). 6 submissions from 6 submitters: Uncertain significance (3); Likely benign (1). 2 of the submissions do not count toward it. Last evaluated 2025-04-09.

Conditions:
Hereditary breast ovarian cancer syndrome. Also called: Hereditary breast and ovarian cancer; Hereditary breast and ovarian cancer syndrome; Breast and ovarian cancer; Hereditary breast and ovarian cancer syndrome (HBOC); Hereditary breast and/or ovarian cancer syndrome; BRCA1- and BRCA2-Associated Hereditary Breast and Ovarian Cancer. Identifiers: Orphanet 145, MedGen C0677776, MeSH D061325, MONDO:0003582. Disease mechanism: loss of function.
Breast neoplasm. Also called: Breast Neoplasms; Neoplasm of the breast; Neoplasm of breast; Breast tumor. Identifiers: MedGen C1458155, MeSH D001943, MONDO:0021100, HP:0100013. Disease mechanism: gain of function.
Breast-ovarian cancer, familial, susceptibility to, 2 (BROVCA2). Also called: BRCA2 Hereditary Breast and Ovarian Cancer. Identifiers: Orphanet 145, MedGen C2675520, MONDO:0012933, OMIM 612555. Disease mechanism: loss of function.
Hereditary cancer-predisposing syndrome. Also called: Hereditary Cancer Syndrome; Neoplastic Syndromes, Hereditary; Tumor predisposition; Hereditary neoplastic syndrome. Identifiers: Orphanet 140162, MedGen C0027672, MeSH D009386, MONDO:0015356.

Submissions (6):

Labcorp Genetics (formerly Invitae), Labcorp
Classification: Uncertain significance for Hereditary breast ovarian cancer syndrome. Last evaluated: 2025-04-09. Review status: criteria provided, single submitter. Criteria: Invitae Variant Classification Sherloc (09022015). Collection method: clinical testing. Allele origin: germline.
Comment: This sequence change replaces valine, which is neutral and non-polar, with isoleucine, which is neutral and non-polar, at codon 1438 of the BRCA2 protein (p.Val1438Ile). This variant is not present in population databases (gnomAD no frequency). This variant has not been reported in the literature in individuals affected with BRCA2-related conditions. ClinVar contains an entry for this variant (Variation ID: 186343). Invitae Evidence Modeling of protein sequence and biophysical properties (such as structural, functional, and spatial information, amino acid conservation, physicochemical variation, residue mobility, and thermodynamic stability) indicates that this missense variant is not expected to disrupt BRCA2 protein function with a negative predictive value of 95%. In summary, the available evidence is currently insufficient to determine the role of this variant in disease. Therefore, it has been classified as a Variant of Uncertain Significance.

Color Diagnostics, LLC DBA Color Health
Classification: Uncertain significance for Hereditary cancer-predisposing syndrome. Last evaluated: 2024-10-15. Review status: criteria provided, single submitter. Criteria: ACMG Guidelines, 2015. Collection method: clinical testing. Allele origin: germline.
Comment: This missense variant replaces valine with isoleucine at codon 1438 of the BRCA2 protein. Computational prediction suggests that this variant may not impact protein structure and function. To our knowledge, functional studies have not been reported for this variant. A multifactorial analysis has reported a likelihood ratio for pathogenicity based on personal and family history of 0.494 from log(LR)=-0.306275845 for two carriers (PMID: 31853058). This variant has not been identified in the general population by the Genome Aggregation Database (gnomAD). The available evidence is insufficient to determine the role of this variant in disease conclusively. Therefore, this variant is classified as a Variant of Uncertain Significance.

University of Washington Department of Laboratory Medicine, University of Washington
Classification: Likely benign for Hereditary cancer-predisposing syndrome. Last evaluated: 2023-03-23. Review status: criteria provided, single submitter. Criteria: Dines et al. (Genet Med. 2020). Collection method: curation. Allele origin: germline.
Comment: Missense variant in a coldspot region where missense variants are very unlikely to be pathogenic (PMID:31911673).

BRCA2 exon 11 coldspot. Reclassification based on statistical prior probability.

Ambry Genetics
Classification: Uncertain significance for Hereditary cancer-predisposing syndrome. Last evaluated: 2022-06-02. Review status: criteria provided, single submitter. Criteria: Ambry Variant Classification Scheme 2023. Collection method: clinical testing. Allele origin: germline.
Comment: The p.V1438I variant (also known as c.4312G>A), located in coding exon 10 of the BRCA2 gene, results from a G to A substitution at nucleotide position 4312. The valine at codon 1438 is replaced by isoleucine, an amino acid with highly similar properties. This amino acid position is well conserved in available vertebrate species. In addition, this alteration is predicted to be tolerated by in silico analysis. Since supporting evidence is limited at this time, the clinical significance of this alteration remains unclear.

3DMed Clinical Laboratory Inc
Classification: Uncertain significance for Neoplasm of the breast. Last evaluated: 2017-12-20. Review status: no assertion criteria provided. Criteria: ACMG Guidelines, 2015. Collection method: clinical testing. Allele origin: germline. Affected: yes. Not counted in ClinVar's aggregate classification.

Counsyl
Classification: Uncertain significance for Breast-ovarian cancer, familial, susceptibility to, 2. Last evaluated: 2016-11-02. Review status: no assertion criteria provided. Collection method: clinical testing. Allele origin: unknown. Not counted in ClinVar's aggregate classification.

Literature cited by the submitters: PubMed 31853058 (cited by Color Diagnostics, LLC DBA Color Health).

NM_000059.4(BRCA2):c.4312G>A (p.Val1438Ile)

Gene: BRCA2 (BRCA2 DNA repair associated; plus strand). Cytogenetic location: 13q13.1.
Variant type: single nucleotide variant.
Coding change: c.4312G>A on transcript NM_000059.4 (MANE Select); coding-DNA position 4312, G replaced by A.
Protein change: p.Val1438Ile; replaces valine 1438 with isoleucine.
Molecular consequence: missense variant.
Genome position (GRCh38, 1-based): chr13:32,338,667, G>A. VCF-style: chr13-32338667-G-A. GRCh37 (hg19) VCF-style: chr13-32912804-G-A.
Other names: short protein forms V1438I.
Identifiers: ClinVar variation 186343 (VCV000186343.13), dbSNP rs786202874, ClinGen allele CA019946.
Genomic context (GRCh38, chr13:32,338,667, plus strand): 5'-ATAAAAGATTTTGAGACTTCTGATACATTTTTTCAGACTGCAAGTGGGAAAAATATTAGT[G>A]TCGCCAAAGAGTCATTTAATAAAATTGTAAATTTCTTTGATCAGAAACCAGAAGAATTGC-3'
Protein context (NP_000050.3, residues 1428-1448): FQTASGKNIS[Val1438Ile]AKESFNKIVN